The following is an entry in ClinVar:

ClinVar aggregate classification (germline): Benign. Review status: criteria provided, single submitter (1 of 4 stars). 2 submissions from 2 submitters: Benign (1). 1 of the submissions does not count toward it. Last evaluated 2026-01-02.

Conditions:
PEPD-related disorder. Also called: PEPD-related condition.

Allele frequency attached by ClinVar (database versions not stated): TOPMed 0.00001; gnomAD 0.00017; gnomAD exomes 0.00026 and 0.00058; ExAC 0.00071; 1000 Genomes Project 30x 0.00234; 1000 Genomes Project 0.00260.
gnomAD v4.1: 402 of 1,610,744 alleles (0.025%); highest among the groups gnomAD compares: South Asian, 0.42%; 8 homozygotes.

Submissions (2):

Labcorp Genetics (formerly Invitae), Labcorp
Classification: Benign. Last evaluated: 2026-01-02. Review status: criteria provided, single submitter. Criteria: Invitae Variant Classification Sherloc (09022015). Collection method: clinical testing. Allele origin: germline.

PreventionGenetics, part of Exact Sciences
Classification: Likely benign for PEPD-related condition. Last evaluated: 2019-06-05. Review status: no assertion criteria provided. Collection method: clinical testing. Allele origin: germline. Not counted in ClinVar's aggregate classification.
Comment: This variant is classified as likely benign based on ACMG/AMP sequence variant interpretation guidelines (Richards et al. 2015 PMID: 25741868, with internal and published modifications).

NM_000285.4(PEPD):c.774C>T (p.His258=)

Gene: PEPD (peptidase D; minus strand). Cytogenetic location: 19q13.11.
Variant type: single nucleotide variant.
Coding change: c.774C>T on transcript NM_000285.4 (MANE Select); coding-DNA position 774, C replaced by T.
Protein change: p.His258=; no amino-acid change (histidine 258 retained).
Molecular consequence: synonymous variant.
Genome position (GRCh38, 1-based): chr19:33,411,716, G>A on the plus strand (C>T on the coding strand, the complement: PEPD is on the minus strand). VCF-style: chr19-33411716-G-A. GRCh37 (hg19) VCF-style: chr19-33902622-G-A.
Other names: c.651C>T, p.His217= (NM_001166056.2); c.582C>T, p.His194= (NM_001166057.2); c.774C>T (NM_000285.3).
Identifiers: ClinVar variation 1548540 (VCV001548540.10), dbSNP rs559286821, ClinGen allele CA9364140.